The following is an entry in ClinVar:

NM_006766.5(KAT6A):c.1219A>G (p.Lys407Glu)

Gene: KAT6A (lysine acetyltransferase 6A; minus strand). Cytogenetic location: 8p11.21.
Variant type: single nucleotide variant.
Coding change: c.1219A>G on transcript NM_006766.5 (MANE Select); coding-DNA position 1219, A replaced by G.
Protein change: p.Lys407Glu; replaces lysine 407 with glutamic acid.
Molecular consequence: missense variant.
Genome position (GRCh38, 1-based): chr8:41,977,152, T>C on the plus strand (A>G on the coding strand, the complement: KAT6A is on the minus strand). VCF-style: chr8-41977152-T-C. GRCh37 (hg19) VCF-style: chr8-41834670-T-C.
Other names: c.1219A>G, p.Lys407Glu (NM_001305878.2); short protein forms K407E.
Identifiers: ClinVar variation 3641565 (VCV003641565.2).
Genomic context (GRCh38, chr8:41,977,152, plus strand): 5'-GAGCTTTCCGCCCATCAGGGGAAGGGGTAAAAAATTTGGTAAGGCCATCAATGAGCCCTT[T>C]GGTTTTCTTGTTGAACTTCAAGGAGACATTGCTATCTCTGCAGAAGTCCAAGCCATCTAT-3'
Protein context (NP_006757.2, residues 397-417): NVSLKFNKKT[Lys407Glu]GLIDGLTKFF

ClinVar aggregate classification (germline): Uncertain significance (1 of 4 stars; one submission).

Submission:

Labcorp Genetics (formerly Invitae), Labcorp
Classification: Uncertain significance. Last evaluated: 2024-02-17. Review status: criteria provided, single submitter. Criteria: Invitae Variant Classification Sherloc (09022015). Collection method: clinical testing. Allele origin: germline.
Comment: This sequence change replaces lysine, which is basic and polar, with glutamic acid, which is acidic and polar, at codon 407 of the KAT6A protein (p.Lys407Glu). This variant is not present in population databases (gnomAD no frequency). This variant has not been reported in the literature in individuals affected with KAT6A-related conditions. Advanced modeling of protein sequence and biophysical properties (such as structural, functional, and spatial information, amino acid conservation, physicochemical variation, residue mobility, and thermodynamic stability) performed at Invitae indicates that this missense variant is not expected to disrupt KAT6A protein function with a negative predictive value of 80%. In summary, the available evidence is currently insufficient to determine the role of this variant in disease. Therefore, it has been classified as a Variant of Uncertain Significance.